The following is an entry in ClinVar:

NM_016203.4(PRKAG2):c.659C>T (p.Pro220Leu)

Gene: PRKAG2 (protein kinase AMP-activated non-catalytic subunit gamma 2; minus strand). Cytogenetic location: 7q36.1.
Variant type: single nucleotide variant.
Coding change: c.659C>T on transcript NM_016203.4 (MANE Select); coding-DNA position 659, C replaced by T.
Protein change: p.Pro220Leu; replaces proline 220 with leucine.
Molecular consequence: missense variant.
Genome position (GRCh38, 1-based): chr7:151,675,445, G>A on the plus strand (C>T on the coding strand, the complement: PRKAG2 is on the minus strand). VCF-style: chr7-151675445-G-A. GRCh37 (hg19) VCF-style: chr7-151372531-G-A.
Other names: c.527C>T, p.Pro176Leu (NM_001040633.2); c.287C>T, p.Pro96Leu (NM_001304527.2, NM_001363698.2); short protein forms P220L, P96L, P176L.
Identifiers: ClinVar variation 662052 (VCV000662052.18), dbSNP rs200181419, ClinGen allele CA169447534.

ClinVar aggregate classification (germline): Conflicting classifications of pathogenicity. Review status: criteria provided, conflicting classifications (1 of 4 stars). 4 submissions from 4 submitters: Uncertain significance (3); Likely benign (1). Last evaluated 2025-09-29.

Conditions:
Cardiomyopathy (CMYO). Also called: Cardiomyopathies. Identifiers: Orphanet 167848, MedGen C0878544, MONDO:0004994, HP:0001638. Inheritance: Various modes of inheritance.
Hypertrophic cardiomyopathy. Also called: HYPERTROPHIC MYOCARDIOPATHY. Identifiers: Orphanet 217569, MedGen C0007194, MeSH D002312, MONDO:0005045, HP:0001639.
Lethal congenital glycogen storage disease of heart. Also called: GLYCOGEN STORAGE DISEASE OF HEART; PHOSPHORYLASE KINASE DEFICIENCY OF HEART. Identifiers: Orphanet 439854, MedGen C1849813, MONDO:0009867, OMIM 261740.

Allele frequency attached by ClinVar (database versions not stated): TOPMed below 0.00001; gnomAD 0.00001; gnomAD exomes 0.00001.
gnomAD v4.1: 19 of 1,614,002 alleles (0.0012%); highest among the groups gnomAD compares: Middle Eastern, 0.049%; no homozygotes.

Submissions (4):

Labcorp Genetics (formerly Invitae), Labcorp
Classification: Uncertain significance for Lethal congenital glycogen storage disease of heart. Last evaluated: 2025-09-29. Review status: criteria provided, single submitter. Criteria: Invitae Variant Classification Sherloc (09022015). Collection method: clinical testing. Allele origin: germline.
Comment: This sequence change replaces proline, which is neutral and non-polar, with leucine, which is neutral and non-polar, at codon 220 of the PRKAG2 protein (p.Pro220Leu). This variant is present in population databases (rs200181419, gnomAD 0.006%). This variant has not been reported in the literature in individuals affected with PRKAG2-related conditions. ClinVar contains an entry for this variant (Variation ID: 662052). Invitae Evidence Modeling of protein sequence and biophysical properties (such as structural, functional, and spatial information, amino acid conservation, physicochemical variation, residue mobility, and thermodynamic stability) indicates that this missense variant is not expected to disrupt PRKAG2 protein function with a negative predictive value of 95%. In summary, the available evidence is currently insufficient to determine the role of this variant in disease. Therefore, it has been classified as a Variant of Uncertain Significance.

Color Diagnostics, LLC DBA Color Health
Classification: Likely benign for Cardiomyopathy. Last evaluated: 2025-06-24. Review status: criteria provided, single submitter. Criteria: ACMG Guidelines, 2015. Collection method: clinical testing. Allele origin: germline.

All of Us Research Program, National Institutes of Health
Classification: Uncertain significance for Hypertrophic cardiomyopathy. Last evaluated: 2024-09-23. Review status: criteria provided, single submitter. Criteria: ACMG Guidelines, 2015. Collection method: clinical testing. Allele origin: germline. Inheritance: Autosomal dominant inheritance. Observed: 2 variant alleles, 2 heterozygotes.
Comment: This missense variant replaces proline with leucine at codon 220 of the PRKAG2 protein. Computational prediction suggests that this variant may not impact protein structure and function (internally defined REVEL score threshold <= 0.5, PMID: 27666373). To our knowledge, functional studies have not been reported for this variant. This variant has not been reported in individuals affected with cardiovascular disorders in the literature. This variant has been identified in 2/251146 chromosomes in the general population by the Genome Aggregation Database (gnomAD). The available evidence is insufficient to determine the role of this variant in disease conclusively. Therefore, this variant is classified as a Variant of Uncertain Significance.

This study involves interpretation of variants in research participants for the purpose of population health screening. Participant phenotype was not available at the time of variant classification. Additional details can be found in publication PMID: 35346344, PMCID: PMC8962531

Women's Health and Genetics/Laboratory Corporation of America, LabCorp
Classification: Uncertain significance. Last evaluated: 2023-09-20. Review status: criteria provided, single submitter. Criteria: LabCorp Variant Classification Summary - May 2015. Collection method: clinical testing. Allele origin: germline.
Comment: Variant summary: PRKAG2 c.659C>T (p.Pro220Leu) results in a non-conservative amino acid change in the encoded protein sequence. Four of five in-silico tools predict a benign effect of the variant on protein function. The variant allele was found at a frequency of 8e-06 in 251146 control chromosomes. The available data on variant occurrences in the general population are insufficient to allow any conclusion about variant significance. To our knowledge, no occurrence of c.659C>T in individuals affected with Cardiomyopathy and no experimental evidence demonstrating its impact on protein function have been reported. Two submitters have cited clinical-significance assessments for this variant to ClinVar after 2014. All submitters classified the variant as uncertain significance. Based on the evidence outlined above, the variant was classified as uncertain significance.